The following is an entry in ClinVar:

NM_000548.5(TSC2):c.4447A>G (p.Arg1483Gly)

Gene: TSC2 (TSC complex subunit 2; plus strand). Cytogenetic location: 16p13.3.
Variant type: single nucleotide variant.
Coding change: c.4447A>G on transcript NM_000548.5 (MANE Select); coding-DNA position 4447, A replaced by G.
Protein change: p.Arg1483Gly; replaces arginine 1483 with glycine.
Molecular consequence: missense variant.
Genome position (GRCh38, 1-based): chr16:2,084,669, A>G. VCF-style: chr16-2084669-A-G. GRCh37 (hg19) VCF-style: chr16-2134670-A-G.
Other names: p.R1483G:AGA>GGA; c.4246A>G, p.Arg1416Gly (NM_001077183.3); c.4378A>G, p.Arg1460Gly (NM_001114382.3); c.4138A>G, p.Arg1380Gly (NM_001318827.2); c.4102A>G, p.Arg1368Gly (NM_001318829.2); c.3715A>G, p.Arg1239Gly (NM_001318831.2); c.4279A>G, p.Arg1427Gly (NM_001318832.2); c.4249A>G, p.Arg1417Gly (NM_001363528.2); and 3 more; short protein forms R1483G, R1417G, R1439G, R1460G, R1239G, R1368G, R1416G, R1440G.
Identifiers: ClinVar variation 207754 (VCV000207754.61), dbSNP rs199644840, ClinGen allele CA051170.

ClinVar aggregate classification (germline): Conflicting classifications of pathogenicity. Review status: criteria provided, conflicting classifications (1 of 4 stars). 7 submissions from 7 submitters: Uncertain significance (1); Benign (2); Likely benign (3). 1 of the submissions does not count toward it. Last evaluated 2025-11-05.

Conditions:
Tuberous sclerosis syndrome (TSC). Also called: Tuberous Sclerosis Complex; Tuberous sclerosis. Identifiers: Orphanet 805, MedGen C0041341, MONDO:0001734.
Tuberous sclerosis 2 (TSC2). Identifiers: Orphanet 805, MedGen C1860707, MONDO:0013199, OMIM 613254.
TSC2-related disorder. Also called: TSC2-related condition; TSC2-Related Disorders.
Hereditary cancer-predisposing syndrome. Also called: Neoplastic Syndromes, Hereditary; Hereditary Cancer Syndrome; Tumor predisposition; Hereditary neoplastic syndrome. Identifiers: Orphanet 140162, MedGen C0027672, MeSH D009386, MONDO:0015356.

Allele frequency attached by ClinVar (database versions not stated): gnomAD exomes 0.00001 and 0.00004; ExAC 0.00004; gnomAD 0.00013; TOPMed 0.00015; 1000 Genomes Project 0.00040; 1000 Genomes Project 30x 0.00062.
gnomAD v4.1: 33 of 1,598,750 alleles (0.0021%); highest among the groups gnomAD compares: African/African-American, 0.041%; no homozygotes.

Submissions (7):

Labcorp Genetics (formerly Invitae), Labcorp
Classification: Benign for Tuberous sclerosis 2. Last evaluated: 2025-11-05. Review status: criteria provided, single submitter. Criteria: Invitae Variant Classification Sherloc (09022015). Collection method: clinical testing. Allele origin: germline.

Myriad Genetics, Inc.
Classification: Likely benign for Tuberous sclerosis 2. Last evaluated: 2024-08-20. Review status: criteria provided, single submitter. Criteria: Myriad Autosomal Dominant, Autosomal Recessive and X-Linked Classification Criteria (2023). Collection method: clinical testing. Allele origin: unknown.
Comment: This variant is considered likely benign. This variant has been observed at a population frequency that is significantly greater than expected given the associated disease prevalence and penetrance.

Color Diagnostics, LLC DBA Color Health
Classification: Uncertain significance for Tuberous sclerosis syndrome. Last evaluated: 2024-04-02. Review status: criteria provided, single submitter. Criteria: ACMG Guidelines, 2015. Collection method: clinical testing. Allele origin: germline.
Comment: This missense variant replaces arginine with glycine at codon 1483 of the TSC2 protein. Computational prediction is inconclusive regarding the impact of this variant on protein structure and function. To our knowledge, functional studies have not been reported for this variant. This variant has not been reported in individuals affected with tuberous sclerosis complex (TSC) in the literature. This variant has been identified in 14/268958 chromosomes in the general population by the Genome Aggregation Database (gnomAD). The available evidence is insufficient to determine the role of this variant in disease conclusively. Therefore, this variant is classified as a Variant of Uncertain Significance.

Genome-Nilou Lab
Classification: Benign for Tuberous sclerosis 2. Last evaluated: 2021-11-07. Review status: criteria provided, single submitter. Criteria: ACMG Guidelines, 2015. Collection method: clinical testing. Allele origin: germline. Affected: no.

GeneDx
Classification: Likely benign. Last evaluated: 2021-03-17. Review status: criteria provided, single submitter. Criteria: GeneDx Variant Classification Process June 2021. Collection method: clinical testing. Allele origin: germline. Affected: yes.

Ambry Genetics
Classification: Likely benign for Hereditary cancer-predisposing syndrome. Last evaluated: 2019-10-02. Review status: criteria provided, single submitter. Criteria: Ambry Variant Classification Scheme 2023. Collection method: clinical testing. Allele origin: germline.

PreventionGenetics, part of Exact Sciences
Classification: Likely benign for TSC2-related condition. Last evaluated: 2023-08-25. Review status: no assertion criteria provided. Collection method: clinical testing. Allele origin: germline. Not counted in ClinVar's aggregate classification.
Comment: This variant is classified as likely benign based on ACMG/AMP sequence variant interpretation guidelines (Richards et al. 2015 PMID: 25741868, with internal and published modifications).